The following is an entry in ClinVar:

ClinVar aggregate classification (germline): Benign/Likely benign. Review status: criteria provided, multiple submitters, no conflicts (2 of 4 stars). 7 submissions from 7 submitters: Benign (3); Likely benign (3). 1 of the submissions does not count toward it. Last evaluated 2026-01-19.

Conditions:
Neonatal-onset encephalopathy with rigidity and seizures. Also called: Lethal neonatal spasticity-epileptic encephalopathy syndrome. Identifiers: Orphanet 435845, MedGen C3281029, MONDO:0013784, OMIM 614498.
BRAT1-related disorder. Also called: BRAT1-related condition; BRAT1-related disorders.

Allele frequency attached by ClinVar (database versions not stated): ESP Exome Variant Server 0.00246; TOPMed 0.00256; 1000 Genomes Project 0.00339; 1000 Genomes Project 30x 0.00406.
gnomAD v4.1: 742 of 1,613,464 alleles (0.046%); highest among the groups gnomAD compares: African/African-American, 0.87%; 6 homozygotes.

Submissions (7):

Labcorp Genetics (formerly Invitae), Labcorp
Classification: Benign for Neonatal-onset encephalopathy with rigidity and seizures. Last evaluated: 2026-01-19. Review status: criteria provided, single submitter. Criteria: Invitae Variant Classification Sherloc (09022015). Collection method: clinical testing. Allele origin: germline.

CeGaT Center for Human Genetics Tuebingen
Classification: Likely benign. Last evaluated: 2025-09-01. Review status: criteria provided, single submitter. Criteria: CeGaT Center For Human Genetics Tuebingen Variant Classification Criteria Version 2. Collection method: clinical testing. Allele origin: germline. Affected: yes. Observed: 2 variant alleles.
Comment: BRAT1: BP4, BP7

Mayo Clinic Laboratories, Mayo Clinic
Classification: Benign. Last evaluated: 2024-11-22. Review status: criteria provided, single submitter. Criteria: ACMG Guidelines, 2015. Collection method: clinical testing. Allele origin: germline. Observed: 2 variant alleles.
Comment: BS1, BS2, BP4, BP7

Blueprint Genetics
Classification: Likely benign. Last evaluated: 2024-09-02. Review status: criteria provided, single submitter. Criteria: ACMG Guidelines, 2015. Collection method: clinical testing. Allele origin: germline.

GeneDx
Classification: Likely benign. Last evaluated: 2020-10-21. Review status: criteria provided, single submitter. Criteria: GeneDx Variant Classification Process June 2021. Collection method: clinical testing. Allele origin: germline. Affected: yes.

Athena Diagnostics
Classification: Benign. Last evaluated: 2018-08-31. Review status: criteria provided, single submitter. Criteria: Athena Diagnostics Criteria. Collection method: clinical testing. Allele origin: germline.

PreventionGenetics, part of Exact Sciences
Classification: Benign for BRAT1-related condition. Last evaluated: 2019-06-13. Review status: no assertion criteria provided. Collection method: clinical testing. Allele origin: germline. Not counted in ClinVar's aggregate classification.
Comment: This variant is classified as benign based on ACMG/AMP sequence variant interpretation guidelines (Richards et al. 2015 PMID: 25741868, with internal and published modifications).

NM_152743.4(BRAT1):c.2169T>A (p.Leu723=)

Gene: BRAT1 (BRCA1 associated ATM activator 1; minus strand). Cytogenetic location: 7p22.3.
Variant type: single nucleotide variant.
Coding change: c.2169T>A on transcript NM_152743.4 (MANE Select); coding-DNA position 2169, T replaced by A.
Protein change: p.Leu723=; no amino-acid change (leucine 723 retained).
Molecular consequence: synonymous variant. On other transcripts: non-coding transcript variant (1).
Genome position (GRCh38, 1-based): chr7:2,538,366, A>T on the plus strand (T>A on the coding strand, the complement: BRAT1 is on the minus strand). VCF-style: chr7-2538366-A-T. GRCh37 (hg19) VCF-style: chr7-2578000-A-T.
Other names: p.Leu723=; c.2349T>A, p.Leu783= (NM_001350626.2); c.1644T>A, p.Leu548= (NM_001350627.2).
Identifiers: ClinVar variation 472960 (VCV000472960.42), dbSNP rs150300694, ClinGen allele CA4127442.
Genomic context (GRCh38, chr7:2,538,366, plus strand): 5'-GGGGCTGCCCCTGGCCTCCCGCAGGCTGCTGTAGGAAGCAATCTTGTCCCTCAGGAAGAG[A>T]AGGAGGTCACAAGACTTCTGCGCCACAGGGCGGTCGCAGTCAAACAAGGCACAAAAGGCG-3'
Protein context (NP_689956.2, residues 713-733): RPVAQKSCDL[Leu723=]LFLRDKIASY